The following is an entry in ClinVar:

ClinVar aggregate classification (germline): Uncertain significance (1 of 4 stars; one submission).

Conditions:
Inborn genetic diseases. Identifiers: MedGen C0950123, MeSH D030342.

Submission:

Ambry Genetics
Classification: Uncertain significance for Inborn genetic diseases. Last evaluated: 2024-10-28. Review status: criteria provided, single submitter. Criteria: Ambry Variant Classification Scheme 2023. Collection method: clinical testing. Allele origin: germline.
Comment: The c.7052+2dupT variant results from a duplication of one nucleotide (T) between positions +2 and +3 after exon 48 (coding exon 47) of the CNOT1 gene. This variant does not change the sequence of the canonical donor at this splice site. This variant was not reported in population-based cohorts in the Genome Aggregation Database (gnomAD). This nucleotide position is highly conserved in available vertebrate species. In silico splice site analysis predicts that this alteration may weaken the native splice donor site. Based on insufficient or conflicting evidence, the clinical significance of this alteration remains unclear.

NM_016284.5(CNOT1):c.7052+2dup

Genes: CNOT1 (CCR4-NOT transcription complex subunit 1; minus strand), SETD6 (SET domain containing 6, protein lysine methyltransferase; plus strand). Cytogenetic location: 16q21.
Variant type: Duplication.
Coding change: c.7052+2dup on transcript NM_016284.5 (MANE Select); the canonical splice donor site of the intron after coding-DNA position 7052, one base duplicated (T; older notation c.7052+2dupT).
Molecular consequence: splice donor variant. On other transcripts: 3 prime UTR variant (1).
Genome position (GRCh38, 1-based): chr16:58,521,181, A duplicated on the plus strand (T on the coding strand, the reverse complement: CNOT1 is on the minus strand). VCF-style (leftmost placement, unchanged base first): chr16-58521180-C-CA. GRCh37 (hg19) VCF-style: chr16-58555084-C-CA.
Other names: c.*2152dup (NM_001160305.4); c.7037+2dup (NM_001265612.2).
Identifiers: ClinVar variation 3494456 (VCV003494456.1).